The following is an entry in ClinVar:

ClinVar aggregate classification (germline): Pathogenic (1 of 4 stars; one submission).

Conditions:
Rubinstein-Taybi syndrome (RSTS). Identifiers: Orphanet 783, MedGen C0035934, MONDO:0019188.

Submission:

Labcorp Genetics (formerly Invitae), Labcorp
Classification: Pathogenic for Rubinstein-Taybi syndrome. Last evaluated: 2024-10-18. Review status: criteria provided, single submitter. Criteria: Invitae Variant Classification Sherloc (09022015). Collection method: clinical testing. Allele origin: germline.
Comment: This sequence change creates a premature translational stop signal (p.Tyr492*) in the CREBBP gene. It is expected to result in an absent or disrupted protein product. Loss-of-function variants in CREBBP are known to be pathogenic (PMID: 17052327, 18792986). This variant is not present in population databases (gnomAD no frequency). This variant has not been reported in the literature in individuals affected with CREBBP-related conditions. For these reasons, this variant has been classified as Pathogenic.

Literature cited by the submitters: PubMed 17052327; PubMed 18792986.

NM_004380.3(CREBBP):c.1476C>A (p.Tyr492Ter)

Gene: CREBBP (CREB binding lysine acetyltransferase; minus strand). Cytogenetic location: 16p13.3.
Variant type: single nucleotide variant.
Coding change: c.1476C>A on transcript NM_004380.3 (MANE Select); coding-DNA position 1476, C replaced by A.
Protein change: p.Tyr492Ter; replaces tyrosine 492 with a stop codon.
Molecular consequence: nonsense.
Genome position (GRCh38, 1-based): chr16:3,782,781, G>T on the plus strand (C>A on the coding strand, the complement: CREBBP is on the minus strand). VCF-style: chr16-3782781-G-T. GRCh37 (hg19) VCF-style: chr16-3832782-G-T.
Other names: c.1362C>A, p.Tyr454Ter (NM_001079846.1); short protein forms Y454*, Y492*.
Identifiers: ClinVar variation 3706680 (VCV003706680.2).